The following is an entry in ClinVar:

NM_001368882.1(COL13A1):c.1612G>A (p.Gly538Arg)

Gene: COL13A1 (collagen type XIII alpha 1 chain; plus strand). Cytogenetic location: 10q22.1.
Variant type: single nucleotide variant.
Coding change: c.1612G>A on transcript NM_001368882.1 (MANE Select); coding-DNA position 1612, G replaced by A.
Protein change: p.Gly538Arg; replaces glycine 538 with arginine.
Molecular consequence: missense variant.
Genome position (GRCh38, 1-based): chr10:69,930,481, G>A. VCF-style: chr10-69930481-G-A. GRCh37 (hg19) VCF-style: chr10-71690237-G-A.
Other names: c.1579G>A, p.Gly527Arg (NM_001130103.2); c.1549G>A, p.Gly517Arg (NM_001320951.2, NM_001368884.1); c.1576G>A, p.Gly526Arg (NM_001368883.1); c.1513G>A, p.Gly505Arg (NM_001368885.1, NM_080801.4, NM_080802.4); c.949G>A, p.Gly317Arg (NM_001368886.1); c.1522G>A, p.Gly508Arg (NM_001368895.1, NM_080800.4); c.1408G>A, p.Gly470Arg (NM_001368896.1, NM_001368898.1, NM_080798.4); c.1435G>A, p.Gly479Arg (NM_001368897.1); and 1 more; short protein forms G479R, G505R, G476R, G527R, G317R, G508R, G517R, G526R.
Identifiers: ClinVar variation 1481054 (VCV001481054.4), dbSNP rs1258188736, ClinGen allele CA376931400.

ClinVar aggregate classification (germline): Uncertain significance (1 of 4 stars; one submission).

Allele frequency attached by ClinVar (database versions not stated): gnomAD exomes below 0.00001.
gnomAD v4.1: 1 of 1,613,928 alleles (0.000062%); highest among the groups gnomAD compares: Admixed American, 0.0017%; no homozygotes.

Submission:

Labcorp Genetics (formerly Invitae), Labcorp
Classification: Uncertain significance. Last evaluated: 2025-02-17. Review status: criteria provided, single submitter. Criteria: Invitae Variant Classification Sherloc (09022015). Collection method: clinical testing. Allele origin: germline.
Comment: This sequence change replaces glycine, which is neutral and non-polar, with arginine, which is basic and polar, at codon 527 of the COL13A1 protein (p.Gly527Arg). This variant is present in population databases (no rsID available, gnomAD 0.003%). This variant has not been reported in the literature in individuals affected with COL13A1-related conditions. ClinVar contains an entry for this variant (Variation ID: 1481054). An algorithm developed to predict the effect of missense changes on protein structure and function (PolyPhen-2) suggests that this variant is likely to be disruptive. In summary, the available evidence is currently insufficient to determine the role of this variant in disease. Therefore, it has been classified as a Variant of Uncertain Significance.